The following is an entry in ClinVar:

NM_031448.6(C19orf12):c.260G>A (p.Arg87Lys)

Gene: C19orf12 (chromosome 19 open reading frame 12; minus strand). Cytogenetic location: 19q12.
Variant type: single nucleotide variant.
Coding change: c.260G>A on transcript NM_031448.6 (MANE Select); coding-DNA position 260, G replaced by A.
Protein change: p.Arg87Lys; replaces arginine 87 with lysine.
Molecular consequence: missense variant.
Genome position (GRCh38, 1-based): chr19:29,702,878, C>T on the plus strand (G>A on the coding strand, the complement: C19orf12 is on the minus strand). VCF-style: chr19-29702878-C-T. GRCh37 (hg19) VCF-style: chr19-30193785-C-T.
Other names: c.260G>A, p.Arg87Lys (NM_001031726.4, NM_001256046.3, NM_001256047.2); c.68G>A, p.Arg23Lys (NM_001282929.1, NM_001282930.3, NM_001282931.3); short protein forms R23K, R87K.
Identifiers: ClinVar variation 3705206 (VCV003705206.2).
Genomic context (GRCh38, chr19:29,702,878, plus strand): 5'-AGCTGCACGGCGTCCGTCCACTCCAGGTGCCTGATGATGGCTGCGGCTTCGTTAAAGAGC[C>T]TCTGTTGCTCGGCAGGGGGCAGCTCCATTAGGATCTGAGGAACCGGCTTAAACTGTCCAC-3'
Protein context (NP_113636.2, residues 77-97): LMELPPAEQQ[Arg87Lys]LFNEAAAIIR

ClinVar aggregate classification (germline): Uncertain significance (1 of 4 stars; one submission).

Conditions:
Hereditary spastic paraplegia 43. Also called: Spastic paraplegia 43, autosomal recessive. Identifiers: Orphanet 320370, MedGen C2680446, MONDO:0014024, OMIM 615043.

gnomAD v4.1: 1 of 1,614,190 alleles (0.000062%); highest among the groups gnomAD compares: Non-Finnish European, 0.000085%; no homozygotes.

Submission:

Labcorp Genetics (formerly Invitae), Labcorp
Classification: Uncertain significance for Hereditary spastic paraplegia 43. Last evaluated: 2024-07-23. Review status: criteria provided, single submitter. Criteria: Invitae Variant Classification Sherloc (09022015). Collection method: clinical testing. Allele origin: germline.
Comment: This sequence change replaces arginine, which is basic and polar, with lysine, which is basic and polar, at codon 98 of the C19orf12 protein (p.Arg98Lys). This variant is present in population databases (rs763136459, gnomAD 0.0009%). This variant has not been reported in the literature in individuals affected with C19orf12-related conditions. An algorithm developed to predict the effect of missense changes on protein structure and function outputs the following: PolyPhen-2: "Benign". The lysine amino acid residue is found in multiple mammalian species, which suggests that this missense change does not adversely affect protein function. In summary, the available evidence is currently insufficient to determine the role of this variant in disease. Therefore, it has been classified as a Variant of Uncertain Significance.